The following is an entry in ClinVar:

ClinVar aggregate classification (germline): Uncertain significance (1 of 4 stars; one submission).

Conditions:
DICER1-related tumor predisposition. Also called: DICER1-related pleuropulmonary blastoma cancer predisposition syndrome; DICER1 syndrome. Identifiers: Orphanet 284343, MedGen C3839822, MONDO:0100216.

Submission:

Labcorp Genetics (formerly Invitae), Labcorp
Classification: Uncertain significance for DICER1-related tumor predisposition. Last evaluated: 2025-06-24. Review status: criteria provided, single submitter. Criteria: Invitae Variant Classification Sherloc (09022015). Collection method: clinical testing. Allele origin: germline.
Comment: This sequence change replaces glutamic acid, which is acidic and polar, with glutamine, which is neutral and polar, at codon 707 of the DICER1 protein (p.Glu707Gln). This variant is not present in population databases (gnomAD no frequency). This variant has not been reported in the literature in individuals affected with DICER1-related conditions. Invitae Evidence Modeling of protein sequence and biophysical properties (such as structural, functional, and spatial information, amino acid conservation, physicochemical variation, residue mobility, and thermodynamic stability) has been performed for this missense variant. However, the output from this modeling did not meet the statistical confidence thresholds required to predict the impact of this variant on DICER1 protein function. In summary, the available evidence is currently insufficient to determine the role of this variant in disease. Therefore, it has been classified as a Variant of Uncertain Significance.

NM_177438.3(DICER1):c.2119G>C (p.Glu707Gln)

Gene: DICER1 (dicer 1, ribonuclease III; minus strand). Cytogenetic location: 14q32.13.
Variant type: single nucleotide variant.
Coding change: c.2119G>C on transcript NM_177438.3 (MANE Select); coding-DNA position 2119, G replaced by C.
Protein change: p.Glu707Gln; replaces glutamic acid 707 with glutamine.
Molecular consequence: missense variant. On other transcripts: non-coding transcript variant (6).
Genome position (GRCh38, 1-based): chr14:95,111,454, C>G on the plus strand (G>C on the coding strand, the complement: DICER1 is on the minus strand). VCF-style: chr14-95111454-C-G. GRCh37 (hg19) VCF-style: chr14-95577791-C-G.
Other names: c.1714G>C, p.Glu572Gln (NM_001395687.1, NM_001395688.1, NM_001395689.1 and 3 more transcripts); c.1552G>C, p.Glu518Gln (NM_001395691.1); c.2119G>C, p.Glu707Gln (NM_001395692.1, NM_001395693.1, NM_001395694.1 and 12 more transcripts); c.1837G>C, p.Glu613Gln (NM_001395686.1); c.436G>C, p.Glu146Gln (NM_001395697.1); short protein forms E572Q, E146Q, E518Q, E613Q, E707Q.
Identifiers: ClinVar variation 4746772 (VCV004746772.1).
Genomic context (GRCh38, chr14:95,111,454, plus strand): 5'-CAAGCTCCTCTTCATATTTAACAGTCTCTTTCCCAACTGGCATCAAATGGTCATCCAGTT[C>G]GCCTAACAAATTTAAAGAGAGAATTAACACAATCCAGATTTTGCCTGATTAATTAGTAAA-3'
Protein context (NP_803187.1, residues 697-717): ICCEKLHKIG[Glu707Gln]LDDHLMPVGK